The following is an entry in ClinVar:

ClinVar aggregate classification (germline): Conflicting classifications of pathogenicity. Review status: criteria provided, conflicting classifications (1 of 4 stars). 2 submissions from 2 submitters: Uncertain significance (1); Benign (1). Last evaluated 2024-10-23.

Conditions:
Hereditary cancer-predisposing syndrome. Also called: Tumor predisposition; Neoplastic Syndromes, Hereditary; Hereditary Cancer Syndrome; Hereditary neoplastic syndrome. Identifiers: Orphanet 140162, MedGen C0027672, MeSH D009386, MONDO:0015356.
Tuberous sclerosis 2 (TSC2). Identifiers: Orphanet 805, MedGen C1860707, MONDO:0013199, OMIM 613254.

Allele frequency attached by ClinVar (database versions not stated): gnomAD exomes below 0.00001 and 0.00001; ExAC 0.00001.

Submissions (2):

Ambry Genetics
Classification: Uncertain significance for Hereditary cancer-predisposing syndrome. Last evaluated: 2024-10-23. Review status: criteria provided, single submitter. Criteria: Ambry Variant Classification Scheme 2023. Collection method: clinical testing. Allele origin: germline.
Comment: The p.M1226V variant (also known as c.3676A>G), located in coding exon 30 of the TSC2 gene, results from an A to G substitution at nucleotide position 3676. The methionine at codon 1226 is replaced by valine, an amino acid with highly similar properties. This amino acid position is conserved. In addition, this alteration is predicted to be deleterious by in silico analysis. Based on the available evidence, the clinical significance of this variant remains unclear.

Labcorp Genetics (formerly Invitae), Labcorp
Classification: Benign for Tuberous sclerosis 2. Last evaluated: 2024-06-11. Review status: criteria provided, single submitter. Criteria: Invitae Variant Classification Sherloc (09022015). Collection method: clinical testing. Allele origin: germline.

NM_000548.5(TSC2):c.3676A>G (p.Met1226Val)

Gene: TSC2 (TSC complex subunit 2; plus strand). Cytogenetic location: 16p13.3.
Variant type: single nucleotide variant.
Coding change: c.3676A>G on transcript NM_000548.5 (MANE Select); coding-DNA position 3676, A replaced by G.
Protein change: p.Met1226Val; replaces methionine 1226 with valine.
Molecular consequence: missense variant.
Genome position (GRCh38, 1-based): chr16:2,081,660, A>G. VCF-style: chr16-2081660-A-G. GRCh37 (hg19) VCF-style: chr16-2131661-A-G.
Other names: c.3544A>G, p.Met1182Val (NM_001077183.3, NM_001370404.1); c.3676A>G, p.Met1226Val (NM_001114382.3); c.3436A>G, p.Met1146Val (NM_001318827.2); c.3400A>G, p.Met1134Val (NM_001318829.2); c.2944A>G, p.Met982Val (NM_001318831.2); c.3577A>G, p.Met1193Val (NM_001318832.2); c.3547A>G, p.Met1183Val (NM_001363528.2, NM_001370405.1, NM_021055.3); short protein forms M1226V, M1134V, M1146V, M1193V, M1182V, M1183V, M982V.
Identifiers: ClinVar variation 405975 (VCV000405975.7), dbSNP rs769283410, ClinGen allele CA048041.